The following is an entry in ClinVar:

NM_002335.4(LRP5):c.2197T>C (p.Tyr733His)

Gene: LRP5 (LDL receptor related protein 5; plus strand). Cytogenetic location: 11q13.2.
Variant type: single nucleotide variant.
Coding change: c.2197T>C on transcript NM_002335.4 (MANE Select); coding-DNA position 2197, T replaced by C.
Protein change: p.Tyr733His; replaces tyrosine 733 with histidine.
Molecular consequence: missense variant.
Genome position (GRCh38, 1-based): chr11:68,410,019, T>C. VCF-style: chr11-68410019-T-C. GRCh37 (hg19) VCF-style: chr11-68177487-T-C.
Other names: c.2197T>C (NM_002335.3); c.454T>C, p.Tyr152His (NM_001291902.2); short protein forms Y152H, Y733H.
Identifiers: ClinVar variation 1470514 (VCV001470514.8), dbSNP rs746701187, ClinGen allele CA6149559.

ClinVar aggregate classification (germline): Conflicting classifications of pathogenicity. Review status: criteria provided, conflicting classifications (1 of 4 stars). 3 submissions from 3 submitters: Likely pathogenic (2); Uncertain significance (1). Last evaluated 2026-09-23.

Conditions:
LRP5-related disorder. Also called: LRP5-related condition.

Allele frequency attached by ClinVar (database versions not stated): gnomAD exomes below 0.00001; ExAC 0.00001; TOPMed 0.00001.
gnomAD v4.1: 1 of 1,614,078 alleles (0.000062%); highest among the groups gnomAD compares: Non-Finnish European, 0.000085%; no homozygotes.

Submissions (3):

PreventionGenetics, part of Exact Sciences
Classification: Likely pathogenic for LRP5-related condition. Last evaluated: 2026-09-23. Review status: criteria provided, single submitter. Criteria: ACMG Guidelines, 2015. Collection method: clinical testing. Allele origin: germline.
Comment: The LRP5 c.2197T>C variant is predicted to result in the amino acid substitution p.Tyr733His. This variant has been reported along with a LRP5 frameshift variant in an individual with osteoporosis-pseudoglioma syndrome (Ai et al. 2005. PubMed ID: 16252235) and has been reported in cohort studies of skeletal dysplasia and exudative vitreoretinopathy (Table S5, MacCarrick et al. 2024. PubMed ID: 38702915; Yaylacioglu Tuncay et al. 2025. PubMed ID: 39903177). This missense variant is predicted to be damaging to the encoded protein (REVEL score >0.773, Ioannidis et al. 2016. PubMed ID: 27666373). This variant is present in 0.00088% of alleles in individuals of European (Non-Finnish) descent in gnomAD. This variant is interpreted as likely pathogenic.

Labcorp Genetics (formerly Invitae), Labcorp
Classification: Likely pathogenic. Last evaluated: 2023-06-03. Review status: criteria provided, single submitter. Criteria: Invitae Variant Classification Sherloc (09022015). Collection method: clinical testing. Allele origin: germline.
Comment: This sequence change replaces tyrosine, which is neutral and polar, with histidine, which is basic and polar, at codon 733 of the LRP5 protein (p.Tyr733His). This variant is present in population databases (rs746701187, gnomAD 0.0009%). This missense change has been observed in individual(s) with autosomal recessive osteoporosis-pseudoglioma syndrome and/or mild features of autosomal dominant familial exudative vitreoretinopathy (PMID: 16252235). In at least one individual the data is consistent with being in trans (on the opposite chromosome) from a pathogenic variant. ClinVar contains an entry for this variant (Variation ID: 1470514). Advanced modeling of protein sequence and biophysical properties (such as structural, functional, and spatial information, amino acid conservation, physicochemical variation, residue mobility, and thermodynamic stability) performed at Invitae indicates that this missense variant is expected to disrupt LRP5 protein function. In summary, the currently available evidence indicates that the variant is pathogenic, but additional data are needed to prove that conclusively. Therefore, this variant has been classified as Likely Pathogenic.

Blueprint Genetics
Classification: Uncertain significance. Last evaluated: 2019-11-18. Review status: criteria provided, single submitter. Criteria: ACMG Guidelines, 2015. Collection method: clinical testing. Allele origin: germline.

Literature cited by the submitters: PubMed 16252235 (cited by Labcorp Genetics (formerly Invitae), Labcorp).